The following is an entry in ClinVar:

ClinVar aggregate classification (germline): Uncertain significance (1 of 4 stars; one submission).

Conditions:
NEK8-related disorder. Also called: NEK8-related condition.

gnomAD v4.1: 5 of 1,613,704 alleles (0.00031%); highest among the groups gnomAD compares: Non-Finnish European, 0.00042%; no homozygotes.

Submission:

PreventionGenetics, part of Exact Sciences
Classification: Uncertain significance for NEK8-related condition. Last evaluated: 2026-02-19. Review status: criteria provided, single submitter. Criteria: ACMG Guidelines, 2015. Collection method: clinical testing. Allele origin: germline.
Comment: The NEK8 c.397A>G variant is predicted to result in the amino acid substitution p.Asn133Asp. To our knowledge, this variant has not been reported in the literature or in a large population database (gnomAD), indicating this variant is rare. At this time, the clinical significance of this variant is uncertain due to the absence of conclusive functional and genetic evidence.

NM_178170.3(NEK8):c.397A>G (p.Asn133Asp)

Gene: NEK8 (NIMA related kinase 8; plus strand). Cytogenetic location: 17q11.2.
Variant type: single nucleotide variant.
Coding change: c.397A>G on transcript NM_178170.3 (MANE Select); coding-DNA position 397, A replaced by G.
Protein change: p.Asn133Asp; replaces asparagine 133 with aspartic acid.
Molecular consequence: missense variant.
Genome position (GRCh38, 1-based): chr17:28,734,915, A>G. VCF-style: chr17-28734915-A-G. GRCh37 (hg19) VCF-style: chr17-27061933-A-G.
Other names: short protein forms N133D.
Identifiers: ClinVar variation 4991154 (VCV004991154.1).